The following is an entry in ClinVar:

NM_007294.4(BRCA1):c.5193G>T (p.Glu1731Asp)

Gene: BRCA1 (BRCA1 DNA repair associated; minus strand). Cytogenetic location: 17q21.31.
Variant type: single nucleotide variant.
Coding change: c.5193G>T on transcript NM_007294.4 (MANE Select); coding-DNA position 5193, G replaced by T.
Protein change: p.Glu1731Asp; replaces glutamic acid 1731 with aspartic acid.
Molecular consequence: missense variant. On other transcripts: non-coding transcript variant (1).
Genome position (GRCh38, 1-based): chr17:43,063,333, C>A on the plus strand (G>T on the coding strand, the complement: BRCA1 is on the minus strand). VCF-style: chr17-43063333-C-A. GRCh37 (hg19) VCF-style: chr17-41215350-C-A.
Other names: c.4980G>T, p.Glu1660Asp (NM_001407571.1, NM_001407900.1, NM_001407902.1 and 12 more transcripts); c.5259G>T, p.Glu1753Asp (NM_001407581.1, NM_001407582.1); c.5256G>T, p.Glu1752Asp (NM_001407583.1, NM_001407585.1, NM_001407587.1 and 1 more transcripts); c.5190G>T, p.Glu1730Asp (NM_001407610.1, NM_001407611.1, NM_001407612.1 and 17 more transcripts); c.5187G>T, p.Glu1729Asp (NM_001407629.1, NM_001407630.1, NM_001407631.1 and 14 more transcripts); c.5133G>T, p.Glu1711Asp (NM_001407649.1); c.5115G>T, p.Glu1705Asp (NM_001407652.1, NM_001407653.1, NM_001407654.1 and 1 more transcripts); c.5112G>T, p.Glu1704Asp (NM_001407656.1, NM_001407657.1, NM_001407658.1); and 72 more; short protein forms E1684D, E627D, E1731D, E1752D, E1434D, E1577D, E1620D, E1643D.
Identifiers: ClinVar variation 867789 (VCV000867789.5), dbSNP rs876660702, ClinGen allele CA10591154.

ClinVar aggregate classification (germline): Uncertain significance (1 of 4 stars; one submission).

Conditions:
Hereditary breast ovarian cancer syndrome. Also called: Hereditary breast and ovarian cancer; Hereditary breast and ovarian cancer syndrome (HBOC); Breast and ovarian cancer; Hereditary breast and/or ovarian cancer syndrome; BRCA1- and BRCA2-Associated Hereditary Breast and Ovarian Cancer; Hereditary breast and ovarian cancer syndrome. Identifiers: Orphanet 145, MedGen C0677776, MeSH D061325, MONDO:0003582. Disease mechanism: loss of function.

Submissions (2):

Breast Center, Key Laboratory of Carcinogenesis and Translational Research
Classification: Uncertain significance for Hereditary breast and ovarian cancer syndrome. Last evaluated: 2020-05-01. Review status: criteria provided, single submitter. Criteria: ACMG Guidelines, 2015. Collection method: clinical testing. Allele origin: germline. Observed: 1 variant allele.

Brotman Baty Institute, University of Washington
No classification provided (evidence only). Condition: Breast-ovarian cancer, familial 1. Review status: no classification provided. Collection method: in vitro. Allele origin: not applicable. Functional consequence: functionally_normal. Not counted in ClinVar's aggregate classification.
ClinVar note: "not provided" was previously submitted as the classification for the variant. However, the classification appeared to be based only on an observation of functional data so it was converted to no classification on 2025-07-30.

Literature cited by the submitters: PubMed 30209399 (cited by Breast Center, Key Laboratory of Carcinogenesis and Translational Research).